The following is an entry in ClinVar:

NM_020693.4(DSCAML1):c.50G>T (p.Arg17Leu)

Gene: DSCAML1 (DS cell adhesion molecule like 1; minus strand). Cytogenetic location: 11q23.3.
Variant type: single nucleotide variant.
Coding change: c.50G>T on transcript NM_020693.4 (MANE Select); coding-DNA position 50, G replaced by T.
Protein change: p.Arg17Leu; replaces arginine 17 with leucine.
Molecular consequence: missense variant. On other transcripts: 5 prime UTR variant (1).
Genome position (GRCh38, 1-based): chr11:117,780,807, C>A on the plus strand (G>T on the coding strand, the complement: DSCAML1 is on the minus strand). VCF-style: chr11-117780807-C-A. GRCh37 (hg19) VCF-style: chr11-117651522-C-A.
Other names: c.50G>T, p.Arg17Leu (NM_001367904.1); c.-359G>T (NM_001367905.1); short protein forms R17L.
Identifiers: ClinVar variation 2078977 (VCV002078977.4), dbSNP rs766813596, ClinGen allele CA6297659.

ClinVar aggregate classification (germline): Uncertain significance (1 of 4 stars; one submission).

Allele frequency attached by ClinVar (database versions not stated): TOPMed 0.00002; gnomAD 0.00003; ExAC 0.00018.
gnomAD v4.1: 57 of 1,442,718 alleles (0.004%); highest among the groups gnomAD compares: Non-Finnish European, 0.005%; no homozygotes.

Submission:

Labcorp Genetics (formerly Invitae), Labcorp
Classification: Uncertain significance. Last evaluated: 2025-11-27. Review status: criteria provided, single submitter. Criteria: Invitae Variant Classification Sherloc (09022015). Collection method: clinical testing. Allele origin: germline.
Comment: This sequence change replaces arginine, which is basic and polar, with leucine, which is neutral and non-polar, at codon 77 of the DSCAML1 protein (p.Arg77Leu). This variant is present in population databases (rs766813596, gnomAD 0.01%). This variant has not been reported in the literature in individuals affected with DSCAML1-related conditions. ClinVar contains an entry for this variant (Variation ID: 2078977). An algorithm developed to predict the effect of missense changes on protein structure and function (PolyPhen-2) suggests that this variant is likely to be tolerated. In summary, the available evidence is currently insufficient to determine the role of this variant in disease. Therefore, it has been classified as a Variant of Uncertain Significance.